The following is an entry in ClinVar:

NM_001379286.1(ZNF423):c.2737C>T (p.Arg913Trp)

Gene: ZNF423 (zinc finger protein 423; minus strand). Cytogenetic location: 16q12.1.
Variant type: single nucleotide variant.
Coding change: c.2737C>T on transcript NM_001379286.1 (MANE Select); coding-DNA position 2737, C replaced by T.
Protein change: p.Arg913Trp; replaces arginine 913 with tryptophan.
Molecular consequence: missense variant.
Genome position (GRCh38, 1-based): chr16:49,636,439, G>A on the plus strand (C>T on the coding strand, the complement: ZNF423 is on the minus strand). VCF-style: chr16-49636439-G-A. GRCh37 (hg19) VCF-style: chr16-49670350-G-A.
Other names: c.2533C>T, p.Arg845Trp (NM_001271620.2); c.2362C>T, p.Arg788Trp (NM_001330533.2); c.2713C>T, p.Arg905Trp (NM_015069.5); short protein forms R845W, R788W, R905W, R913W.
Identifiers: ClinVar variation 1044985 (VCV001044985.8), dbSNP rs1343918703, ClinGen allele CA395841667.

ClinVar aggregate classification (germline): Uncertain significance (1 of 4 stars; one submission).

Conditions:
Nephronophthisis 14 (NPHP14). Identifiers: Orphanet 2318, MedGen C3539071, MONDO:0013916, OMIM 614844.

Allele frequency attached by ClinVar (database versions not stated): gnomAD exomes below 0.00001.
gnomAD v4.1: 4 of 1,613,464 alleles (0.00025%); highest among the groups gnomAD compares: Admixed American, 0.0017%; no homozygotes.

Submission:

Labcorp Genetics (formerly Invitae), Labcorp
Classification: Uncertain significance for Nephronophthisis 14. Last evaluated: 2022-07-19. Review status: criteria provided, single submitter. Criteria: Invitae Variant Classification Sherloc (09022015). Collection method: clinical testing. Allele origin: germline.
Comment: In summary, the available evidence is currently insufficient to determine the role of this variant in disease. Therefore, it has been classified as a Variant of Uncertain Significance. Algorithms developed to predict the effect of missense changes on protein structure and function (SIFT, PolyPhen-2, Align-GVGD) all suggest that this variant is likely to be disruptive. ClinVar contains an entry for this variant (Variation ID: 1044985). This variant has not been reported in the literature in individuals affected with ZNF423-related conditions. The frequency data for this variant in the population databases is considered unreliable, as metrics indicate poor data quality at this position in the gnomAD database. This sequence change replaces arginine, which is basic and polar, with tryptophan, which is neutral and slightly polar, at codon 905 of the ZNF423 protein (p.Arg905Trp).